The following is an entry in ClinVar:

NM_005802.5(TOPORS):c.1750T>C (p.Tyr584His)

Gene: TOPORS (TOP1 binding arginine/serine rich protein, E3 ubiquitin ligase; minus strand). Cytogenetic location: 9p21.1.
Variant type: single nucleotide variant.
Coding change: c.1750T>C on transcript NM_005802.5 (MANE Select); coding-DNA position 1750, T replaced by C.
Protein change: p.Tyr584His; replaces tyrosine 584 with histidine.
Molecular consequence: missense variant.
Genome position (GRCh38, 1-based): chr9:32,542,775, A>G on the plus strand (T>C on the coding strand, the complement: TOPORS is on the minus strand). VCF-style: chr9-32542775-A-G. GRCh37 (hg19) VCF-style: chr9-32542773-A-G.
Other names: c.1555T>C, p.Tyr519His (NM_001195622.2); short protein forms Y519H, Y584H.
Identifiers: ClinVar variation 2785945 (VCV002785945.4), dbSNP rs1383957397, ClinGen allele CA373168407.

ClinVar aggregate classification (germline): Uncertain significance. Review status: criteria provided, multiple submitters, no conflicts (2 of 4 stars). 2 submissions from 2 submitters: Uncertain significance (2). Last evaluated 2022-11-06.

Allele frequency attached by ClinVar (database versions not stated): gnomAD exomes 0.00002.
gnomAD v4.1: 24 of 1,614,086 alleles (0.0015%); highest among the groups gnomAD compares: Non-Finnish European, 0.002%; no homozygotes.

Submissions (2):

Labcorp Genetics (formerly Invitae), Labcorp
Classification: Uncertain significance. Last evaluated: 2022-11-06. Review status: criteria provided, single submitter. Criteria: Invitae Variant Classification Sherloc (09022015). Collection method: clinical testing. Allele origin: germline.
Comment: This variant has not been reported in the literature in individuals affected with TOPORS-related conditions. This variant is present in population databases (no rsID available, gnomAD 0.0009%). This sequence change replaces tyrosine, which is neutral and polar, with histidine, which is basic and polar, at codon 584 of the TOPORS protein (p.Tyr584His). In summary, the available evidence is currently insufficient to determine the role of this variant in disease. Therefore, it has been classified as a Variant of Uncertain Significance. Algorithms developed to predict the effect of missense changes on protein structure and function are either unavailable or do not agree on the potential impact of this missense change (SIFT: "Tolerated"; PolyPhen-2: "Possibly Damaging"; Align-GVGD: "Class C0").

Blueprint Genetics
Classification: Uncertain significance. Last evaluated: 2019-04-05. Review status: criteria provided, single submitter. Criteria: ACMG Guidelines, 2015. Collection method: clinical testing. Allele origin: germline.